The following is an entry in ClinVar:

NM_012293.3(PXDN):c.251G>A (p.Arg84Gln)

Gene: PXDN (peroxidasin; minus strand). Cytogenetic location: 2p25.3.
Variant type: single nucleotide variant.
Coding change: c.251G>A on transcript NM_012293.3 (MANE Select); coding-DNA position 251, G replaced by A.
Protein change: p.Arg84Gln; replaces arginine 84 with glutamine.
Molecular consequence: missense variant.
Genome position (GRCh38, 1-based): chr2:1,693,084, C>T on the plus strand (G>A on the coding strand, the complement: PXDN is on the minus strand). VCF-style: chr2-1693084-C-T. GRCh37 (hg19) VCF-style: chr2-1696856-C-T.
Other names: c.251G>A (NM_012293.1); short protein forms R84Q.
Identifiers: ClinVar variation 1952031 (VCV001952031.4), dbSNP rs375380332, ClinGen allele CA1513730.

ClinVar aggregate classification (germline): Uncertain significance. Review status: criteria provided, multiple submitters, no conflicts (2 of 4 stars). 2 submissions from 2 submitters: Uncertain significance (2). Last evaluated 2024-12-12.

Conditions:
Anterior segment dysgenesis 7 (ASGD7). Also called: SCLEROCORNEA WITH OTHER OCULAR ANOMALIES; Anterior segment dysgenesis 7, with sclerocornea. Identifiers: Orphanet 289499, MedGen C3151617, MONDO:0010015, OMIM 269400.
Inborn genetic diseases. Identifiers: MedGen C0950123, MeSH D030342.

Allele frequency attached by ClinVar (database versions not stated): gnomAD exomes 0.00003; ExAC 0.00004; gnomAD 0.00005; TOPMed 0.00005; ESP Exome Variant Server 0.00008.
gnomAD v4.1: 52 of 1,557,372 alleles (0.0033%); highest among the groups gnomAD compares: Admixed American, 0.046%; no homozygotes.

Submissions (2):

Ambry Genetics
Classification: Uncertain significance for Inborn genetic diseases. Last evaluated: 2024-12-12. Review status: criteria provided, single submitter. Criteria: Ambry Variant Classification Scheme 2023. Collection method: clinical testing. Allele origin: germline.

Labcorp Genetics (formerly Invitae), Labcorp
Classification: Uncertain significance for Anterior segment dysgenesis 7. Last evaluated: 2022-09-01. Review status: criteria provided, single submitter. Criteria: Invitae Variant Classification Sherloc (09022015). Collection method: clinical testing. Allele origin: germline.
Comment: In summary, the available evidence is currently insufficient to determine the role of this variant in disease. Therefore, it has been classified as a Variant of Uncertain Significance. Algorithms developed to predict the effect of missense changes on protein structure and function output the following: SIFT: "Tolerated"; PolyPhen-2: "Benign"; Align-GVGD: "Class C0". The glutamine amino acid residue is found in multiple mammalian species, which suggests that this missense change does not adversely affect protein function. This variant has not been reported in the literature in individuals affected with PXDN-related conditions. This variant is present in population databases (rs375380332, gnomAD 0.04%). This sequence change replaces arginine, which is basic and polar, with glutamine, which is neutral and polar, at codon 84 of the PXDN protein (p.Arg84Gln).